The following is an entry in ClinVar:

NC_000013.10:g.(32921034_32928997)_(32954283_32968825)dup

Gene: BRCA2 (BRCA2 DNA repair associated; plus strand). Cytogenetic location: 13q13.1.
Variant type: Duplication.
Identifiers: ClinVar variation 1192257 (VCV001192257.1).

ClinVar aggregate classification (germline): Likely pathogenic (1 of 4 stars; one submission).

Conditions:
Hereditary breast ovarian cancer syndrome. Also called: Hereditary breast and ovarian cancer syndrome; Breast and ovarian cancer; Hereditary breast and ovarian cancer syndrome (HBOC); Hereditary breast and/or ovarian cancer syndrome; BRCA1- and BRCA2-Associated Hereditary Breast and Ovarian Cancer; Hereditary breast and ovarian cancer. Identifiers: Orphanet 145, MedGen C0677776, MeSH D061325, MONDO:0003582. Disease mechanism: loss of function.

Submission:

Women's Health and Genetics/Laboratory Corporation of America, LabCorp
Classification: Likely pathogenic for Hereditary breast ovarian cancer syndrome. Last evaluated: 2021-07-12. Review status: criteria provided, single submitter. Criteria: LabCorp Variant Classification Summary - May 2015. Collection method: clinical testing. Allele origin: germline.
Comment: Variant summary: The variant identified by MLPA or other technology involves the duplication of exons 14-24 in the BRCA2 gene. A presumed nomenclature of c.(7007+1_7008-1)_(9256+1_9257-1)dup has been designated for the purposes of this classification. It has been assumed that this is a tandem duplication in direct orientation (Richardson_GIM_2018, Newman_AJHG_2015). The variant was absent in 21692 control chromosomes (gnomAD, Structural Variants dataset). c.(7007+1_7008-1)_(9256+1_9257-1)dup has been reported in the literature in two individuals affected with Breast and Ovarian Cancer (Richardson_2018). By sequencing the breakpoints, this study showed the duplication happened tandemly and was predicted to result in a frameshift. To our knowledge, no experimental evidence demonstrating an impact on protein function has been reported. One ClinVar submitter (evaluation after 2014) cites the variant as likely pathogenic. Based on the evidence outlined above, the variant was classified as likely pathogenic.

Literature cited by the submitters: PubMed 29446198; PubMed 30054569.